The following is an entry in ClinVar:

ClinVar aggregate classification (germline): Uncertain significance (0 of 4 stars; one submission).

Conditions:
FLT4-related disorder. Also called: FLT4-related condition.

gnomAD v4.1: 10 of 1,614,196 alleles (0.00062%); highest among the groups gnomAD compares: Non-Finnish European, 0.00085%; no homozygotes.

Submission:

PreventionGenetics, part of Exact Sciences
Classification: Uncertain significance for FLT4-related condition. Last evaluated: 2024-09-06. Review status: no assertion criteria provided. Collection method: clinical testing. Allele origin: germline.
Comment: The FLT4 c.4025A>G variant is predicted to result in the amino acid substitution p.Glu1342Gly. To our knowledge, this variant has not been reported in the literature or in a large population database, indicating this variant is rare. At this time, the clinical significance of this variant is uncertain due to the absence of conclusive functional and genetic evidence.

NM_182925.5(FLT4):c.4025A>G (p.Glu1342Gly)

Gene: FLT4 (fms related receptor tyrosine kinase 4; minus strand). Cytogenetic location: 5q35.3.
Variant type: single nucleotide variant.
Coding change: c.4025A>G on transcript NM_182925.5 (MANE Select); coding-DNA position 4025, A replaced by G.
Protein change: p.Glu1342Gly; replaces glutamic acid 1342 with glycine.
Molecular consequence: missense variant.
Genome position (GRCh38, 1-based): chr5:180,603,259, T>C on the plus strand (A>G on the coding strand, the complement: FLT4 is on the minus strand). VCF-style: chr5-180603259-T-C. GRCh37 (hg19) VCF-style: chr5-180030259-T-C.
Other names: short protein forms E1342G.
Identifiers: ClinVar variation 3344902 (VCV003344902.1).